The following is an entry in ClinVar:

NM_194454.3(KRIT1):c.1993A>G (p.Lys665Glu)

Gene: KRIT1 (KRIT1 ankyrin repeat containing; minus strand). Cytogenetic location: 7q21.2.
Variant type: single nucleotide variant.
Coding change: c.1993A>G on transcript NM_194454.3 (MANE Select); coding-DNA position 1993, A replaced by G.
Protein change: p.Lys665Glu; replaces lysine 665 with glutamic acid.
Molecular consequence: missense variant.
Genome position (GRCh38, 1-based): chr7:92,213,227, T>C on the plus strand (A>G on the coding strand, the complement: KRIT1 is on the minus strand). VCF-style: chr7-92213227-T-C. GRCh37 (hg19) VCF-style: chr7-91842541-T-C.
Other names: c.1849A>G, p.Lys617Glu (NM_001013406.2, NM_001350669.1, NM_001350670.1); c.1279A>G, p.Lys427Glu (NM_001350671.1); c.1993A>G, p.Lys665Glu (NM_001350672.1, NM_001350673.1, NM_001350674.1 and 26 more transcripts); short protein forms K427E, K617E, K665E.
Identifiers: ClinVar variation 3899020 (VCV003899020.1).

ClinVar aggregate classification (germline): Uncertain significance (1 of 4 stars; one submission).

gnomAD v4.1: 4 of 1,613,118 alleles (0.00025%); highest among the groups gnomAD compares: Admixed American, 0.005%; no homozygotes.

Submission:

GeneDx
Classification: Uncertain significance. Last evaluated: 2024-11-08. Review status: criteria provided, single submitter. Criteria: GeneDx Variant Classification Process June 2021. Collection method: clinical testing. Allele origin: germline. Affected: yes.
Comment: Not observed at significant frequency in large population cohorts (gnomAD); In silico analysis indicates that this missense variant does not alter protein structure/function; Has not been previously published as pathogenic or benign to our knowledge